The following is an entry in ClinVar:

NM_002435.3(MPI):c.455G>C (p.Arg152Pro)

Gene: MPI (mannose phosphate isomerase; plus strand). Cytogenetic location: 15q24.1.
Variant type: single nucleotide variant.
Coding change: c.455G>C on transcript NM_002435.3 (MANE Select); coding-DNA position 455, G replaced by C.
Protein change: p.Arg152Pro; replaces arginine 152 with proline.
Molecular consequence: missense variant.
Genome position (GRCh38, 1-based): chr15:74,892,770, G>C. VCF-style: chr15-74892770-G-C. GRCh37 (hg19) VCF-style: chr15-75185111-G-C.
Other names: c.455G>C, p.Arg152Pro (NM_001289155.2, NM_001289157.2); c.305G>C, p.Arg102Pro (NM_001289156.2); c.395G>C, p.Arg132Pro (NM_001330372.2); short protein forms R132P, R102P, R152P.
Identifiers: ClinVar variation 1040391 (VCV001040391.9), dbSNP rs766458792, ClinGen allele CA393173601.

ClinVar aggregate classification (germline): Uncertain significance. Review status: criteria provided, single submitter (1 of 4 stars). 2 submissions from 2 submitters: Uncertain significance (1). 1 of the submissions does not count toward it. Last evaluated 2021-09-02.

Conditions:
MPI-congenital disorder of glycosylation. Also called: PROTEIN-LOSING ENTEROPATHY-HEPATIC FIBROSIS SYNDROME; MPI DEFICIENCY; MPI-CDG; MANNOSEPHOSPHATE ISOMERASE DEFICIENCY; CONGENITAL DISORDER OF GLYCOSYLATION, TYPE Ib; CDG Ib. Identifiers: Orphanet 79319, MedGen C1865145, MONDO:0011257, OMIM 602579.

gnomAD v4.1: 1 of 1,614,262 alleles (0.000062%); highest among the groups gnomAD compares: Admixed American, 0.0017%; no homozygotes.

Submissions (2):

Labcorp Genetics (formerly Invitae), Labcorp
Classification: Uncertain significance for MPI-congenital disorder of glycosylation. Last evaluated: 2021-09-02. Review status: criteria provided, single submitter. Criteria: Invitae Variant Classification Sherloc (09022015). Collection method: clinical testing. Allele origin: germline.
Comment: This sequence change replaces arginine with proline at codon 152 of the MPI protein (p.Arg152Pro). The arginine residue is moderately conserved and there is a moderate physicochemical difference between arginine and proline. This variant is not present in population databases (ExAC no frequency). This variant has not been reported in the literature in individuals affected with MPI-related conditions. Algorithms developed to predict the effect of missense changes on protein structure and function are either unavailable or do not agree on the potential impact of this missense change (SIFT: "Deleterious"; PolyPhen-2: "Probably Damaging"; Align-GVGD: "Class C0"). In summary, the available evidence is currently insufficient to determine the role of this variant in disease. Therefore, it has been classified as a Variant of Uncertain Significance.

Natera, Inc.
Classification: Uncertain significance for Congenital disorder of glycosylation type 1b. Last evaluated: 2020-02-21. Review status: no assertion criteria provided. Collection method: clinical testing. Allele origin: germline. Not counted in ClinVar's aggregate classification.